The following is an entry in ClinVar:

NM_000080.4(CHRNE):c.1033-6_1033-1dup

Genes: CHRNE (cholinergic receptor nicotinic epsilon subunit; minus strand), LOC130060041 (ATAC-STARR-seq lymphoblastoid silent region 8050; plus strand). Cytogenetic location: 17p13.2.
Variant type: Duplication.
Coding change: c.1033-6_1033-1dup on transcript NM_000080.4 (MANE Select); 6 bases into the intron before coding-DNA position 1033 through the canonical splice acceptor site of the intron before coding-DNA position 1033, 6 bases duplicated (CCCCAG; older notation c.1033-6_1033-1dupCCCCAG).
Molecular consequence: splice acceptor variant.
Genome position (GRCh38, 1-based): chr17:4,899,385-4,899,390, CTGGGG duplicated on the plus strand (CCCCAG on the coding strand, the reverse complement: CHRNE is on the minus strand); duplicating any 6 consecutive bases within chr17:4,899,385-4,899,391 gives the same sequence; the c. name uses the placement nearest the transcript's 3' end. VCF-style (leftmost placement, unchanged base first): chr17-4899384-C-CCTGGGG. GRCh37 (hg19) VCF-style: chr17-4802679-C-CCTGGGG.
Other names: c.1033-6_1033-1dupCCCCAG (NM_000080.3).
Identifiers: ClinVar variation 323984 (VCV000323984.11), dbSNP rs886053123, ClinGen allele CA10649600.

ClinVar aggregate classification (germline): Uncertain significance (1 of 4 stars; one submission).

Conditions:
Congenital myasthenic syndrome 4A. Also called: Myasthenic syndrome, congenital, 4a, slow-channel; CONGENITAL MYASTHENIC SYNDROME TYPE Ia1; MYASTHENIC SYNDROME, CONGENITAL, 4A, SLOW-CHANNEL, AUTOSOMAL RECESSIVE. Identifiers: Orphanet 590, MedGen C4225413, MONDO:0011600, OMIM 605809.

Submission:

Labcorp Genetics (formerly Invitae), Labcorp
Classification: Uncertain significance for Congenital myasthenic syndrome 4A. Last evaluated: 2017-05-20. Review status: criteria provided, single submitter. Criteria: Invitae Variant Classification Sherloc (09022015). Collection method: clinical testing. Allele origin: germline.
Comment: This variant has not been reported in the literature in individuals with a CHRNE-related disease. ClinVar contains an entry for this variant (Variation ID: 323984). This sequence change falls in intron 9 of the CHRNE gene. It does not directly change the encoded amino acid sequence of the CHRNE protein. While this variant is not present in population databases, the frequency information is unreliable, as metrics indicate poor data quality at this position in the ExAC database. Algorithms developed to predict the effect of sequence changes on RNA splicing suggest that this variant may disrupt the consensus splice site, but this prediction has not been confirmed by published transcriptional studies. In summary, this variant has uncertain impact on CHRNE function. The available evidence is currently insufficient to determine its role in disease. Therefore, it has been classified as a Variant of Uncertain Significance.